The following is an entry in ClinVar:

ClinVar aggregate classification (germline): Uncertain significance (1 of 4 stars; one submission).

Conditions:
Neuropathy, hereditary motor and sensory, type 6B (HMSN6B). Also called: HMSN VIB; CHARCOT-MARIE-TOOTH DISEASE, TYPE 6B; NEUROPATHY, HEREDITARY MOTOR AND SENSORY, TYPE VIB, WITH OPTIC ATROPHY; Neuropathy, hereditary motor and sensory, type VIB. Identifiers: MedGen C4225302, MONDO:0014671, OMIM 616505.

Submission:

Labcorp Genetics (formerly Invitae), Labcorp
Classification: Uncertain significance for Neuropathy, hereditary motor and sensory, type 6B. Last evaluated: 2022-11-10. Review status: criteria provided, single submitter. Criteria: Invitae Variant Classification Sherloc (09022015). Collection method: clinical testing. Allele origin: germline.
Comment: This variant has not been reported in the literature in individuals affected with SLC25A46-related conditions. This sequence change replaces phenylalanine, which is neutral and non-polar, with leucine, which is neutral and non-polar, at codon 81 of the SLC25A46 protein (p.Phe81Leu). This variant is not present in population databases (gnomAD no frequency). ClinVar contains an entry for this variant (Variation ID: 864620). Algorithms developed to predict the effect of missense changes on protein structure and function output the following: SIFT: "Tolerated"; PolyPhen-2: "Benign"; Align-GVGD: "Class C0". The leucine amino acid residue is found in multiple mammalian species, which suggests that this missense change does not adversely affect protein function. In summary, the available evidence is currently insufficient to determine the role of this variant in disease. Therefore, it has been classified as a Variant of Uncertain Significance.

NM_138773.4(SLC25A46):c.241T>C (p.Phe81Leu)

Gene: SLC25A46 (solute carrier family 25 member 46; plus strand). Cytogenetic location: 5q22.1.
Variant type: single nucleotide variant.
Coding change: c.241T>C on transcript NM_138773.4 (MANE Select); coding-DNA position 241, T replaced by C.
Protein change: p.Phe81Leu; replaces phenylalanine 81 with leucine.
Molecular consequence: missense variant. On other transcripts: non-coding transcript variant (1), intron variant (1).
Genome position (GRCh38, 1-based): chr5:110,739,360, T>C. VCF-style: chr5-110739360-T-C. GRCh37 (hg19) VCF-style: chr5-110075061-T-C.
Other names: c.241T>C, p.Phe81Leu (NM_001303249.3); c.10+1113T>C (NM_001303250.3); short protein forms F81L.
Identifiers: ClinVar variation 864620 (VCV000864620.10), dbSNP rs747086911, ClinGen allele CA125342547.